The following is an entry in ClinVar:

ClinVar aggregate classification (germline): Conflicting classifications of pathogenicity. Review status: criteria provided, conflicting classifications (1 of 4 stars). 16 submissions from 15 submitters: Uncertain significance (1); Benign (8); Likely benign (2). 5 of the submissions do not count toward it. Last evaluated 2026-08-01.

Conditions:
Cardiovascular phenotype. Identifiers: MedGen CN230736.
Hypertrichotic osteochondrodysplasia Cantu type. Also called: Cantú Syndrome; Cantu Syndrome. Identifiers: Orphanet 1517, MedGen C0795905, MONDO:0009406, OMIM 239850.
Cardiomyopathy (CMYO). Also called: Cardiomyopathies. Identifiers: Orphanet 167848, MedGen C0878544, MONDO:0004994, HP:0001638. Inheritance: Various modes of inheritance.
Primary dilated cardiomyopathy (DCM). Also called: Dilated Cardiomyopathy. Identifiers: Orphanet 217604, MedGen C0007193, MeSH D002311, MONDO:0005021, HP:0001644. Inheritance: Various modes of inheritance.
Dilated cardiomyopathy 1O (CMD1O). Also called: CARDIOMYOPATHY, DILATED, WITH VENTRICULAR TACHYCARDIA. Identifiers: Orphanet 154, MedGen C1837839, MONDO:0012062, OMIM 608569.

Allele frequency attached by ClinVar (database versions not stated): ESP Exome Variant Server 0.00507; 1000 Genomes Project 30x 0.00156; ExAC 0.00356; TOPMed 0.00335; gnomAD 0.00341 and 0.00345; gnomAD exomes 0.00326; 1000 Genomes Project 0.00160.
gnomAD v4.1: 7,686 of 1,611,438 alleles (0.48%); highest among the groups gnomAD compares: Non-Finnish European, 0.58%; 30 homozygotes.

Submissions (16):

CeGaT Center for Human Genetics Tuebingen
Classification: Likely benign. Last evaluated: 2026-08-01. Review status: criteria provided, single submitter. Criteria: CeGaT Center For Human Genetics Tuebingen Variant Classification Criteria Version 2. Collection method: clinical testing. Allele origin: germline. Affected: yes. Observed: 41 variant alleles.
Comment: ABCC9: BP4, BP7, BS2

Labcorp Genetics (formerly Invitae), Labcorp
Classification: Benign for Dilated cardiomyopathy 1O. Last evaluated: 2026-02-03. Review status: criteria provided, single submitter. Criteria: Invitae Variant Classification Sherloc (09022015). Collection method: clinical testing. Allele origin: germline.

Blueprint Genetics
Classification: Likely benign. Last evaluated: 2024-11-27. Review status: criteria provided, single submitter. Criteria: ACMG Guidelines, 2015. Collection method: clinical testing. Allele origin: germline.

ARUP Laboratories, Molecular Genetics and Genomics, ARUP Laboratories
Classification: Benign. Last evaluated: 2023-11-09. Review status: criteria provided, single submitter. Criteria: ARUP Molecular Germline Variant Investigation Process 2024. Collection method: clinical testing. Allele origin: germline.

Mayo Clinic Laboratories, Mayo Clinic
Classification: Benign. Last evaluated: 2022-11-22. Review status: criteria provided, single submitter. Criteria: ACMG Guidelines, 2015. Collection method: clinical testing. Allele origin: germline. Observed: 11 variant alleles.
Comment: BS1, BS2, BP4, BP7

CHEO Genetics Diagnostic Laboratory, Children's Hospital of Eastern Ontario
Classification: Benign for Cardiomyopathy. Last evaluated: 2017-11-02. Review status: criteria provided, single submitter. Criteria: ACMG Guidelines, 2015. Collection method: clinical testing. Allele origin: germline.

Illumina Laboratory Services, Illumina
Classification: Uncertain significance for Dilated cardiomyopathy 1O. Last evaluated: 2017-04-27. Review status: criteria provided, single submitter. Criteria: ICSL Variant Classification Criteria 13 December 2019. Collection method: clinical testing. Allele origin: germline.
Comment: This variant was observed as part of a predisposition screen in an ostensibly healthy population. A literature search was performed for the gene, cDNA change, and amino acid change (where applicable). Publications were found based on this search. However, the evidence from the literature, in combination with allele frequency data from public databases where available, was not sufficient to rule this variant in or out of causing disease. Therefore, this variant is classified as a variant of unknown significance.

Illumina Laboratory Services, Illumina
Classification: Benign for Hypertrichotic osteochondrodysplasia Cantu type. Last evaluated: 2017-04-27. Review status: criteria provided, single submitter. Criteria: ICSL Variant Classification Criteria 13 December 2019. Collection method: clinical testing. Allele origin: germline.
Comment: This variant was observed as part of a predisposition screen in an ostensibly healthy population. A literature search was performed for the gene, cDNA change, and amino acid change (where applicable). No publications were found based on this search. Allele frequency data from public databases was too high to be consistent with this variant causing disease. Therefore, this variant is classified as benign.

Ambry Genetics
Classification: Benign for Cardiovascular phenotype. Last evaluated: 2015-06-19. Review status: criteria provided, single submitter. Criteria: Ambry Variant Classification Scheme 2023. Collection method: clinical testing. Allele origin: germline.

GeneDx
Classification: Benign. Last evaluated: 2014-04-19. Review status: criteria provided, single submitter. Criteria: GeneDx Variant Classification (06012015). Collection method: clinical testing. Allele origin: germline. Affected: yes.
Comment: This variant is considered likely benign or benign based on one or more of the following criteria: it is a conservative change, it occurs at a poorly conserved position in the protein, it is predicted to be benign by multiple in silico algorithms, and/or has population frequency not consistent with disease.

Laboratory for Molecular Medicine, Mass General Brigham Personalized Medicine
Classification: Benign. Last evaluated: 2012-05-10. Review status: criteria provided, single submitter. Criteria: LMM Criteria. Collection method: clinical testing. Allele origin: germline. Observed: 9 variant alleles.
Comment: Ala841Ala in Exon 21 of ABCC9: This variant is not expected to have clinical sig nificance because it does not alter an amino acid residue, is not located within the splice consensus sequence and has been identified in 0.6% (43/7020) of Euro pean American chromosomes from a broad population by the NHLBI Exome Sequencing Project (dbSNP rs144537241).

Women's Health and Genetics/Laboratory Corporation of America, LabCorp
Classification: Benign for Primary dilated cardiomyopathy. Last evaluated: 2015-06-04. Review status: no assertion criteria provided. Collection method: clinical testing. Allele origin: germline. Not counted in ClinVar's aggregate classification.

Clinical Genetics DNA and cytogenetics Diagnostics Lab, Erasmus MC, Erasmus Medical Center
Classification: Benign. Review status: no assertion criteria provided. Collection method: clinical testing. Allele origin: germline. Affected: yes. Study: VKGL Data-share Consensus. Not counted in ClinVar's aggregate classification.

Clinical Genetics, Academic Medical Center
Classification: Benign. Review status: no assertion criteria provided. Collection method: clinical testing. Allele origin: germline. Affected: yes. Study: VKGL Data-share Consensus. Not counted in ClinVar's aggregate classification.

Diagnostic Laboratory, Department of Genetics, University Medical Center Groningen
Classification: Likely benign. Review status: no assertion criteria provided. Collection method: clinical testing. Allele origin: germline. Affected: yes. Study: VKGL Data-share Consensus. Not counted in ClinVar's aggregate classification.

Genome Diagnostics Laboratory, University Medical Center Utrecht
Classification: Benign. Review status: no assertion criteria provided. Collection method: clinical testing. Allele origin: germline. Affected: yes. Study: VKGL Data-share Consensus. Not counted in ClinVar's aggregate classification.

Literature cited by the submitters: PubMed 20474083 (cited by Illumina Laboratory Services, Illumina).

NM_020297.4(ABCC9):c.2523C>T (p.Ala841=)

Gene: ABCC9 (ATP binding cassette subfamily C member 9; minus strand). Cytogenetic location: 12p12.1.
Variant type: single nucleotide variant.
Coding change: c.2523C>T on transcript NM_020297.4 (MANE Select); coding-DNA position 2523, C replaced by T.
Protein change: p.Ala841=; no amino-acid change (alanine 841 retained).
Molecular consequence: synonymous variant.
Genome position (GRCh38, 1-based): chr12:21,852,488, G>A on the plus strand (C>T on the coding strand, the complement: ABCC9 is on the minus strand). VCF-style: chr12-21852488-G-A. GRCh37 (hg19) VCF-style: chr12-22005422-G-A.
Other names: p.A841A:GCC>GCT; p.Ala841=; c.2523C>T, p.Ala841= (NM_001377273.1, NM_005691.4); c.1656C>T, p.Ala552= (NM_001377274.1).
Identifiers: ClinVar variation 35628 (VCV000035628.62), dbSNP rs144537241, ClinGen allele CA260110.